The following is an entry in ClinVar:

NM_013296.5(GPSM2):c.249A>G (p.Glu83=)

Gene: GPSM2 (G protein signaling modulator 2; plus strand). Cytogenetic location: 1p13.3.
Variant type: single nucleotide variant.
Coding change: c.249A>G on transcript NM_013296.5 (MANE Select); coding-DNA position 249, A replaced by G.
Protein change: p.Glu83=; no amino-acid change (glutamic acid 83 retained).
Molecular consequence: synonymous variant.
Genome position (GRCh38, 1-based): chr1:108,897,056, A>G. VCF-style: chr1-108897056-A-G. GRCh37 (hg19) VCF-style: chr1-109439678-A-G.
Other names: c.249A>G, p.Glu83= (NM_001321038.2, NM_001321039.3).
Identifiers: ClinVar variation 178941 (VCV000178941.11), dbSNP rs727504553, ClinGen allele CA183356.

ClinVar aggregate classification (germline): Likely benign. Review status: criteria provided, multiple submitters, no conflicts (2 of 4 stars). 2 submissions from 2 submitters: Likely benign (2). Last evaluated 2025-04-07.

Allele frequency attached by ClinVar (database versions not stated): gnomAD exomes below 0.00001; ExAC 0.00001; gnomAD 0.00001; TOPMed 0.00002.
gnomAD v4.1: 5 of 1,610,616 alleles (0.00031%); highest among the groups gnomAD compares: Middle Eastern, 0.018%; no homozygotes.

Submissions (2):

Labcorp Genetics (formerly Invitae), Labcorp
Classification: Likely benign. Last evaluated: 2025-04-07. Review status: criteria provided, single submitter. Criteria: Invitae Variant Classification Sherloc (09022015). Collection method: clinical testing. Allele origin: germline.

Laboratory for Molecular Medicine, Mass General Brigham Personalized Medicine
Classification: Likely benign. Last evaluated: 2013-05-31. Review status: criteria provided, single submitter. Criteria: LMM Criteria. Collection method: clinical testing. Allele origin: germline. Observed: 1 variant allele.
Comment: Glu83Glu in exon 3 of GPSM2: This variant is not expected to have clinical signi ficance because it does not alter an amino acid residue and is not located withi n the conserved splice consensus sequence.